The following is an entry in ClinVar:

ClinVar aggregate classification (germline): Conflicting classifications of pathogenicity. Review status: criteria provided, conflicting classifications (1 of 4 stars). 7 submissions from 7 submitters: Uncertain significance (4); Likely benign (3). Last evaluated 2026-06-01.

Conditions:
Developmental and epileptic encephalopathy, 42 (DEE42A). Also called: Epileptic encephalopathy, early infantile, 42; DEVELOPMENTAL AND EPILEPTIC ENCEPHALOPATHY 42A; EPILEPTIC ENCEPHALOPATHY, EARLY INFANTILE, 42A. Identifiers: MedGen C4310716, MONDO:0014917, OMIM 617106.
Spinocerebellar ataxia type 6 (SCA6). Identifiers: Orphanet 98758, MedGen C0752124, MONDO:0008457, OMIM 183086.
Episodic ataxia type 2 (EA2). Also called: ACETAZOLAMIDE-RESPONSIVE HEREDITARY PAROXYSMAL CEREBELLAR ATAXIA; ATAXIA, EPISODIC, WITH NYSTAGMUS; ATAXIA, FAMILIAL PAROXYSMAL; CEREBELLAR ATAXIA, PAROXYSMAL, ACETAZOLAMIDE-RESPONSIVE; CEREBELLOPATHY, HEREDITARY PAROXYSMAL; EPISODIC ATAXIA, NYSTAGMUS-ASSOCIATED. Identifiers: Orphanet 97, MedGen C1720416, MONDO:0007163, OMIM 108500.
Inborn genetic diseases. Identifiers: MedGen C0950123, MeSH D030342.

Allele frequency attached by ClinVar (database versions not stated): ExAC 0.00002; gnomAD exomes 0.00002 and 0.00005; gnomAD 0.00005; TOPMed 0.00007.
gnomAD v4.1: 89 of 1,576,054 alleles (0.0056%); highest among the groups gnomAD compares: South Asian, 0.0068%; no homozygotes.

Submissions (7):

CeGaT Center for Human Genetics Tuebingen
Classification: Likely benign. Last evaluated: 2026-06-01. Review status: criteria provided, single submitter. Criteria: CeGaT Center For Human Genetics Tuebingen Variant Classification Criteria Version 2. Collection method: clinical testing. Allele origin: germline. Affected: yes. Observed: 1 variant allele.
Comment: CACNA1A: PP3, BS1

Labcorp Genetics (formerly Invitae), Labcorp
Classification: Likely benign for Developmental and epileptic encephalopathy, 42; Episodic ataxia type 2. Last evaluated: 2026-01-13. Review status: criteria provided, single submitter. Criteria: Invitae Variant Classification Sherloc (09022015). Collection method: clinical testing. Allele origin: germline.

Women's Health and Genetics/Laboratory Corporation of America, LabCorp
Classification: Uncertain significance. Last evaluated: 2024-06-11. Review status: criteria provided, single submitter. Criteria: LabCorp Variant Classification Summary - May 2015. Collection method: clinical testing. Allele origin: germline.
Comment: Variant summary: CACNA1A c.6773C>T (p.Ala2258Val) results in a non-conservative amino acid change in the encoded protein sequence. Four of five in-silico tools predict a benign effect of the variant on protein function. The variant allele was found at a frequency of 2e-05 in 197196 control chromosomes. The available data on variant occurrences in the general population are insufficient to allow any conclusion about variant significance. To our knowledge, no occurrence of c.6773C>T in individuals affected with Epileptic Encephalopathy, Early Infantile, 42 and no experimental evidence demonstrating its impact on protein function have been reported. ClinVar contains an entry for this variant (Variation ID: 288783). Based on the evidence outlined above, the variant was classified as uncertain significance.

Ambry Genetics
Classification: Likely benign for Inborn genetic diseases. Last evaluated: 2023-10-20. Review status: criteria provided, single submitter. Criteria: Ambry Variant Classification Scheme 2023. Collection method: clinical testing. Allele origin: germline.

GeneDx
Classification: Uncertain significance. Last evaluated: 2023-09-01. Review status: criteria provided, single submitter. Criteria: GeneDx Variant Classification Process June 2021. Collection method: clinical testing. Allele origin: germline. Affected: yes.
Comment: In silico analysis supports that this missense variant does not alter protein structure/function; Has not been previously published as pathogenic or benign to our knowledge

Department of Pathology and Laboratory Medicine, Sinai Health System
Classification: Uncertain significance for Spinocerebellar ataxia type 6; Developmental and epileptic encephalopathy, 42. Last evaluated: 2022-11-14. Review status: criteria provided, single submitter. Criteria: ACMG Guidelines, 2015. Collection method: research. Allele origin: germline.

Eurofins Ntd Llc (ga)
Classification: Uncertain significance. Last evaluated: 2016-07-08. Review status: criteria provided, single submitter. Criteria: EGL Classification Definitions 2015. Collection method: clinical testing. Allele origin: germline. Observed: 1 variant allele, 1 heterozygote.

NM_001127222.2(CACNA1A):c.6770C>T (p.Ala2257Val)

Genes: CACNA1A (calcium voltage-gated channel subunit alpha1 A; minus strand), LOC130063717 (ATAC-STARR-seq lymphoblastoid silent region 10203; plus strand). Cytogenetic location: 19p13.13.
Variant type: single nucleotide variant.
Coding change: c.6770C>T on transcript NM_001127222.2 (MANE Select); coding-DNA position 6770, C replaced by T.
Protein change: p.Ala2257Val; replaces alanine 2257 with valine.
Molecular consequence: missense variant.
Genome position (GRCh38, 1-based): chr19:13,208,766, G>A on the plus strand (C>T on the coding strand, the complement: CACNA1A is on the minus strand). VCF-style: chr19-13208766-G-A. GRCh37 (hg19) VCF-style: chr19-13319580-G-A.
Other names: c.6788C>T, p.Ala2263Val (NM_000068.4, NM_023035.3); c.6773C>T, p.Ala2258Val (NM_001127221.2); c.6779C>T, p.Ala2260Val (NM_001174080.2); short protein forms A2258V, A2257V, A2263V, A2260V.
Identifiers: ClinVar variation 288783 (VCV000288783.19), dbSNP rs755099305, ClinGen allele CA9239268.